The following is an entry in ClinVar:

ClinVar aggregate classification (germline): Uncertain significance (1 of 4 stars; one submission).

Conditions:
Autosomal recessive limb-girdle muscular dystrophy type 2Y (MRRSDC). Also called: Muscular dystrophy, autosomal recessive, with rigid spine and distal joint contractures; Muscular dystrophy, limb-girdle, type 2y. Identifiers: Orphanet 424261, MedGen C4511482, MONDO:0014900, OMIM 617072.

Allele frequency attached by ClinVar (database versions not stated): gnomAD exomes below 0.00001.
gnomAD v4.1: 2 of 1,510,754 alleles (0.00013%); highest among the groups gnomAD compares: African/African-American, 0.0014%; no homozygotes.

Submission:

Labcorp Genetics (formerly Invitae), Labcorp
Classification: Uncertain significance for Autosomal recessive limb-girdle muscular dystrophy type 2Y. Last evaluated: 2023-08-09. Review status: criteria provided, single submitter. Criteria: Invitae Variant Classification Sherloc (09022015). Collection method: clinical testing. Allele origin: germline.
Comment: In summary, the available evidence is currently insufficient to determine the role of this variant in disease. Therefore, it has been classified as a Variant of Uncertain Significance. This sequence change falls in intron 4 of the TOR1AIP1 gene. It does not directly change the encoded amino acid sequence of the TOR1AIP1 protein. This variant is not present in population databases (gnomAD no frequency). This variant has not been reported in the literature in individuals affected with TOR1AIP1-related conditions. ClinVar contains an entry for this variant (Variation ID: 2150478). Algorithms developed to predict the effect of sequence changes on RNA splicing suggest that this variant may disrupt the consensus splice site.

NM_015602.4(TOR1AIP1):c.652+18A>G

Gene: TOR1AIP1 (torsin 1A interacting protein 1; plus strand). Cytogenetic location: 1q25.2.
Variant type: single nucleotide variant.
Coding change: c.652+18A>G on transcript NM_015602.4 (MANE Select); 18 bases into the intron after coding-DNA position 652, A replaced by G.
Molecular consequence: intron variant.
Genome position (GRCh38, 1-based): chr1:179,900,185, A>G. VCF-style: chr1-179900185-A-G. GRCh37 (hg19) VCF-style: chr1-179869320-A-G.
Other names: c.655+18A>G (NM_001267578.2).
Identifiers: ClinVar variation 2150478 (VCV002150478.4), dbSNP rs2526604465, ClinGen allele CA2580061523.